The following is an entry in ClinVar:

ClinVar aggregate classification (germline): Uncertain significance (1 of 4 stars; one submission).

Submission:

Dasa
Classification: Uncertain significance. Last evaluated: 2025-07-22. Review status: criteria provided, single submitter. Criteria: DASA Assertion Criteria. Collection method: clinical testing. Allele origin: germline.
Comment: NM_003179.3(SYP):c.773G>A (p.Gly258Asp) is a missense variant that results in the substitution of glycine with aspartic acid. This variant is rare in population databases. Computational prediction algorithms are consistent with a benign effect. The currently available literature and clinical evidence are not sufficient to establish a definitive association between this variant and the reported condition. Therefore, this variant is classified as a variant of uncertain significance.

NM_003179.3(SYP):c.773G>A (p.Gly258Asp)

Gene: SYP (synaptophysin; minus strand). Cytogenetic location: Xp11.23.
Variant type: single nucleotide variant.
Coding change: c.773G>A on transcript NM_003179.3 (MANE Select); coding-DNA position 773, G replaced by A.
Protein change: p.Gly258Asp; replaces glycine 258 with aspartic acid.
Molecular consequence: missense variant.
Genome position (GRCh38, 1-based): chrX:49,191,606, C>T on the plus strand (G>A on the coding strand, the complement: SYP is on the minus strand). VCF-style: chrX-49191606-C-T. GRCh37 (hg19) VCF-style: chrX-49048063-C-T.
Other names: short protein forms G258D.
Identifiers: ClinVar variation 4882329 (VCV004882329.2).
Genomic context (GRCh38, chrX:49,191,606, plus strand): 5'-TAGTCAGGCTGGTAGCCGCCCTGAGGCCCGTAGGAATCCTGGGGCCCGTACCCGCCGGGG[C>T]CCTGCCCGTAGCCTGCATCGCCGTAGGCGTCCCCGGGTGCCGGTTGTTTCTCGGGGGCGC-3'
Protein context (NP_003170.1, residues 248-268): DAYGDAGYGQ[Gly258Asp]PGGYGPQDSY